The following is an entry in ClinVar:

NM_001042492.3(NF1):c.3104T>A (p.Met1035Lys)

Gene: NF1 (neurofibromin 1; plus strand). Cytogenetic location: 17q11.2.
Variant type: single nucleotide variant.
Coding change: c.3104T>A on transcript NM_001042492.3 (MANE Select); coding-DNA position 3104, T replaced by A.
Protein change: p.Met1035Lys; replaces methionine 1035 with lysine.
Molecular consequence: missense variant.
Genome position (GRCh38, 1-based): chr17:31,230,373, T>A. VCF-style: chr17-31230373-T-A. GRCh37 (hg19) VCF-style: chr17-29557391-T-A.
Other names: c.3104T>A, p.Met1035Lys (NM_000267.4); short protein forms M1035K.
Identifiers: ClinVar variation 658527 (VCV000658527.16), dbSNP rs137854553, ClinGen allele CA398987686.

ClinVar aggregate classification (germline): Pathogenic/Likely pathogenic. Review status: criteria provided, multiple submitters, no conflicts (2 of 4 stars). 7 submissions from 7 submitters: Pathogenic (2); Likely pathogenic (5). Last evaluated 2026-01-31.

Conditions:
Cardiovascular phenotype. Identifiers: MedGen CN230736.
Hereditary cancer-predisposing syndrome. Also called: Neoplastic Syndromes, Hereditary; Hereditary Cancer Syndrome; Tumor predisposition; Hereditary neoplastic syndrome. Identifiers: Orphanet 140162, MedGen C0027672, MeSH D009386, MONDO:0015356.
Juvenile myelomonocytic leukemia (JMML). Also called: LEUKEMIA, JUVENILE MYELOMONOCYTIC, SOMATIC. Identifiers: Orphanet 86834, MedGen C0349639, MONDO:0011908, OMIM 607785, HP:0012209.
Neurofibromatosis, type 1 (NF1). Also called: Neurofibromatosis, type I; NEUROFIBROMATOSIS, TYPE I, SOMATIC; Peripheral type neurofibromatosis; VON RECKLINGHAUSEN DISEASE. Identifiers: Orphanet 636, MedGen C0027831, MONDO:0018975, OMIM 162200. Disease mechanism: loss of function.
NF1-related disorder. Also called: NF1-related condition. Identifiers: MedGen CN379171.

Submissions (7):

Labcorp Genetics (formerly Invitae), Labcorp
Classification: Pathogenic for Neurofibromatosis, type 1. Last evaluated: 2026-01-31. Review status: criteria provided, single submitter. Criteria: Invitae Variant Classification Sherloc (09022015). Collection method: clinical testing. Allele origin: germline.
Comment: This sequence change replaces methionine, which is neutral and non-polar, with lysine, which is basic and polar, at codon 1035 of the NF1 protein (p.Met1035Lys). This variant is not present in population databases (gnomAD no frequency). This missense change has been observed in individual(s) with clinical features of neurofibromatosis type 1 (PMID: 31370276, 34080803; internal data). In at least one individual the variant was observed to be de novo. Invitae Evidence Modeling of clinical and family history, age, sex, and reported ancestry of multiple individuals with this NF1 variant has been performed. This variant is expected to be pathogenic with a positive predictive value of at least 99%. This is a validated machine learning model that incorporates the clinical features of 1,785,918 individuals referred to our laboratory for NF1 testing. ClinVar contains an entry for this variant (Variation ID: 658527). Invitae Evidence Modeling of protein sequence and biophysical properties (such as structural, functional, and spatial information, amino acid conservation, physicochemical variation, residue mobility, and thermodynamic stability) indicates that this missense variant is expected to disrupt NF1 protein function with a positive predictive value of 95%. For these reasons, this variant has been classified as Pathogenic.

GeneDx
Classification: Likely pathogenic. Last evaluated: 2025-04-04. Review status: criteria provided, single submitter. Criteria: GeneDx Variant Classification Process June 2021. Collection method: clinical testing. Allele origin: germline. Affected: yes.
Comment: Identified in patients with suspected or clinically diagnosed neurofibromatosis type 1 referred for genetic testing at GeneDx and in published literature (PMID: 31370276, 34080803); Not observed at significant frequency in large population cohorts (gnomAD); In silico analysis supports that this missense variant has a deleterious effect on protein structure/function; This variant is associated with the following publications: (PMID: Kiraz_2023, 31370276, 34080803, 25486365, 2121369)

Ambry Genetics
Classification: Likely pathogenic for Cardiovascular phenotype; Hereditary cancer-predisposing syndrome. Last evaluated: 2024-10-14. Review status: criteria provided, single submitter. Criteria: Ambry Variant Classification Scheme 2023. Collection method: clinical testing. Allele origin: germline.
Comment: The p.M1035K variant (also known as c.3104T>A), located in coding exon 23 of the NF1 gene, results from a T to A substitution at nucleotide position 3104. The methionine at codon 1035 is replaced by lysine, an amino acid with similar properties. This variant was reported in multiple individuals with features consistent with neurofibromatosis type 1 (NF1) (N Abdel-Aziz N et al. Mol Genet Genomic Med, 2021 Dec;9:e1631; Giugliano T et al. Genes (Basel), 2019 Jul;10; Ambry internal data). This amino acid position is highly conserved in available vertebrate species. This variant is considered to be rare based on population cohorts in the Genome Aggregation Database (gnomAD). In addition, the in silico prediction for this alteration is inconclusive. Based on the majority of available evidence to date, this variant is likely to be pathogenic.

Baylor Genetics
Classification: Likely pathogenic for Juvenile myelomonocytic leukemia. Last evaluated: 2024-01-30. Review status: criteria provided, single submitter. Criteria: ACMG Guidelines, 2015. Collection method: clinical testing. Allele origin: unknown.

Laboratory of Medical Genetics, National & Kapodistrian University of Athens
Classification: Pathogenic for Neurofibromatosis, type 1. Last evaluated: 2023-02-07. Review status: criteria provided, single submitter. Criteria: ACMG Guidelines, 2015. Collection method: clinical testing. Allele origin: germline. Affected: yes.
Comment: PM1, PM2, PM5, PP3, PP5

Genome-Nilou Lab
Classification: Likely pathogenic for Neurofibromatosis, type 1. Last evaluated: 2022-03-15. Review status: criteria provided, single submitter. Criteria: ACMG Guidelines, 2015. Collection method: clinical testing. Allele origin: germline. Affected: no.

Blueprint Genetics
Classification: Likely pathogenic for NF1-related disorders. Last evaluated: 2020-04-30. Review status: criteria provided, single submitter. Criteria: ACMG Guidelines, 2015. Collection method: clinical testing. Allele origin: germline. Affected: yes. Observed: 2 variant alleles.

Literature cited by the submitters: PubMed 31370276 (cited by Labcorp Genetics (formerly Invitae), Labcorp and Ambry Genetics); PubMed 34080803 (cited by Labcorp Genetics (formerly Invitae), Labcorp and Ambry Genetics).